The following is an entry in ClinVar:

NM_000256.3(MYBPC3):c.239C>G (p.Ala80Gly)

Gene: MYBPC3 (myosin binding protein C3; minus strand). Cytogenetic location: 11p11.2.
Variant type: single nucleotide variant.
Coding change: c.239C>G on transcript NM_000256.3 (MANE Select); coding-DNA position 239, C replaced by G.
Protein change: p.Ala80Gly; replaces alanine 80 with glycine.
Molecular consequence: missense variant.
Genome position (GRCh38, 1-based): chr11:47,351,292, G>C on the plus strand (C>G on the coding strand, the complement: MYBPC3 is on the minus strand). VCF-style: chr11-47351292-G-C. GRCh37 (hg19) VCF-style: chr11-47372843-G-C.
Other names: c.239C>G, p.Ala80Gly (LRG_386t1); short protein forms A80G.
Identifiers: ClinVar variation 577423 (VCV000577423.7), dbSNP rs1410583905, ClinGen allele CA380341640.

ClinVar aggregate classification (germline): Uncertain significance. Review status: criteria provided, multiple submitters, no conflicts (2 of 4 stars). 2 submissions from 2 submitters: Uncertain significance (2). Last evaluated 2023-12-28.

Conditions:
Hypertrophic cardiomyopathy. Also called: HYPERTROPHIC MYOCARDIOPATHY. Identifiers: Orphanet 217569, MedGen C0007194, MeSH D002312, MONDO:0005045, HP:0001639.

Allele frequency attached by ClinVar (database versions not stated): gnomAD 0.00001 and 0.00002; gnomAD exomes 0.00003; TOPMed 0.00005.
gnomAD v4.1: 42 of 1,569,424 alleles (0.0027%); highest among the groups gnomAD compares: Non-Finnish European, 0.0034%; no homozygotes.

Submissions (2):

Blueprint Genetics
Classification: Uncertain significance. Last evaluated: 2023-12-28. Review status: criteria provided, single submitter. Criteria: ACMG Guidelines, 2015. Collection method: clinical testing. Allele origin: germline.

Labcorp Genetics (formerly Invitae), Labcorp
Classification: Uncertain significance for Hypertrophic cardiomyopathy. Last evaluated: 2021-08-31. Review status: criteria provided, single submitter. Criteria: Invitae Variant Classification Sherloc (09022015). Collection method: clinical testing. Allele origin: germline.
Comment: This sequence change replaces alanine with glycine at codon 80 of the MYBPC3 protein (p.Ala80Gly). The alanine residue is highly conserved and there is a small physicochemical difference between alanine and glycine. This variant is not present in population databases (ExAC no frequency). This variant has not been reported in the literature in individuals affected with MYBPC3-related conditions. Algorithms developed to predict the effect of missense changes on protein structure and function (SIFT, PolyPhen-2, Align-GVGD) all suggest that this variant is likely to be disruptive. In summary, the available evidence is currently insufficient to determine the role of this variant in disease. Therefore, it has been classified as a Variant of Uncertain Significance.